The following is an entry in ClinVar:

NM_017780.4(CHD7):c.3597C>T (p.Ala1199=)

Gene: CHD7 (chromodomain helicase DNA binding protein 7; plus strand). Cytogenetic location: 8q12.2.
Variant type: single nucleotide variant.
Coding change: c.3597C>T on transcript NM_017780.4 (MANE Select); coding-DNA position 3597, C replaced by T.
Protein change: p.Ala1199=; no amino-acid change (alanine 1199 retained).
Molecular consequence: synonymous variant. On other transcripts: intron variant (1).
Genome position (GRCh38, 1-based): chr8:60,830,396, C>T. VCF-style: chr8-60830396-C-T. GRCh37 (hg19) VCF-style: chr8-61742955-C-T.
Other names: c.1717-31833C>T (NM_001316690.1).
Identifiers: ClinVar variation 3029054 (VCV003029054.2), dbSNP rs2487853546, ClinGen allele CA461104432.
Genomic context (GRCh38, chr8:60,830,396, plus strand): 5'-AGCTATTCTAAAGCCAATGATGTTGAGACGTCTCAAAGAGGATGTAGAAAAGAACTTGGC[C>T]CCCAAAGAAGAAACTATTATTGAAGTTGAGCTAACAAACATTCAGAAGAAATATTACCGA-3'
Protein context (NP_060250.2, residues 1189-1209): RLKEDVEKNL[Ala1199=]PKEETIIEVE

ClinVar aggregate classification (germline): Likely benign (0 of 4 stars; one submission).

Conditions:
CHD7-related disorder. Also called: CHD7-related condition.

Submission:

PreventionGenetics, part of Exact Sciences
Classification: Likely benign for CHD7-related condition. Last evaluated: 2021-07-28. Review status: no assertion criteria provided. Collection method: clinical testing. Allele origin: germline.
Comment: This variant is classified as likely benign based on ACMG/AMP sequence variant interpretation guidelines (Richards et al. 2015 PMID: 25741868, with internal and published modifications).